The following is an entry in ClinVar:

ClinVar aggregate classification (germline): Uncertain significance. Review status: criteria provided, multiple submitters, no conflicts (2 of 4 stars). 3 submissions from 3 submitters: Uncertain significance (2). 1 of the submissions does not count toward it. Last evaluated 2025-05-29.

Conditions:
HECW2-related disorder. Also called: HECW2-related condition.
Inborn genetic diseases. Identifiers: MedGen C0950123, MeSH D030342.

Allele frequency attached by ClinVar (database versions not stated): TOPMed below 0.00001.
gnomAD v4.1: 35 of 1,614,232 alleles (0.0022%); highest among the groups gnomAD compares: African/African-American, 0.015%; no homozygotes.

Submissions (3):

Ambry Genetics
Classification: Uncertain significance for Inborn genetic diseases. Last evaluated: 2025-05-29. Review status: criteria provided, single submitter. Criteria: Ambry Variant Classification Scheme 2023. Collection method: clinical testing. Allele origin: germline.

Labcorp Genetics (formerly Invitae), Labcorp
Classification: Uncertain significance. Last evaluated: 2022-02-11. Review status: criteria provided, single submitter. Criteria: Invitae Variant Classification Sherloc (09022015). Collection method: clinical testing. Allele origin: germline.
Comment: In summary, the available evidence is currently insufficient to determine the role of this variant in disease. Therefore, it has been classified as a Variant of Uncertain Significance. This sequence change replaces threonine, which is neutral and polar, with asparagine, which is neutral and polar, at codon 435 of the HECW2 protein (p.Thr435Asn). This variant is not present in population databases (gnomAD no frequency). This variant has not been reported in the literature in individuals affected with HECW2-related conditions. Advanced modeling of protein sequence and biophysical properties (such as structural, functional, and spatial information, amino acid conservation, physicochemical variation, residue mobility, and thermodynamic stability) performed at Invitae indicates that this missense variant is not expected to disrupt HECW2 protein function.

PreventionGenetics, part of Exact Sciences
Classification: Uncertain significance for HECW2-related condition. Last evaluated: 2024-03-15. Review status: no assertion criteria provided. Collection method: clinical testing. Allele origin: germline. Not counted in ClinVar's aggregate classification.
Comment: The HECW2 c.1304C>A variant is predicted to result in the amino acid substitution p.Thr435Asn. To our knowledge, this variant has not been reported in the literature or in a large population database, indicating this variant is rare. At this time, the clinical significance of this variant is uncertain due to the absence of conclusive functional and genetic evidence.

NM_001348768.2(HECW2):c.1304C>A (p.Thr435Asn)

Gene: HECW2 (HECT, C2 and WW domain containing E3 ubiquitin protein ligase 2; minus strand). Cytogenetic location: 2q32.3.
Variant type: single nucleotide variant.
Coding change: c.1304C>A on transcript NM_001348768.2 (MANE Select); coding-DNA position 1304, C replaced by A.
Protein change: p.Thr435Asn; replaces threonine 435 with asparagine.
Molecular consequence: missense variant.
Genome position (GRCh38, 1-based): chr2:196,319,586, G>T on the plus strand (C>A on the coding strand, the complement: HECW2 is on the minus strand). VCF-style: chr2-196319586-G-T. GRCh37 (hg19) VCF-style: chr2-197184310-G-T.
Other names: c.1304C>A (NM_020760.1, NM_020760.2); c.236C>A, p.Thr79Asn (NM_001304840.3); c.1304C>A, p.Thr435Asn (NM_020760.4); short protein forms T79N, T435N.
Identifiers: ClinVar variation 2096635 (VCV002096635.6), dbSNP rs111996214, ClinGen allele CA62784439.